The following is an entry in ClinVar:

ClinVar aggregate classification (germline): Uncertain significance. Review status: criteria provided, multiple submitters, no conflicts (2 of 4 stars). 3 submissions from 3 submitters: Uncertain significance (3). Last evaluated 2025-05-13.

Conditions:
Inborn genetic diseases. Identifiers: MedGen C0950123, MeSH D030342.
Cerebrooculofacioskeletal syndrome 1 (COFS1). Also called: Cerebro-oculo-facio-skeletal syndrome 1. Identifiers: MedGen C0220722, MONDO:0008955, OMIM 214150.

Allele frequency attached by ClinVar (database versions not stated): gnomAD 0.00001 and 0.00002; gnomAD exomes 0.00001 and 0.00003; ExAC 0.00002; TOPMed 0.00010; ESP Exome Variant Server 0.00015.
gnomAD v4.1: 21 of 1,614,066 alleles (0.0013%); highest among the groups gnomAD compares: Admixed American, 0.0033%; no homozygotes.

Submissions (3):

Ambry Genetics
Classification: Uncertain significance for Inborn genetic diseases. Last evaluated: 2025-05-13. Review status: criteria provided, single submitter. Criteria: Ambry Variant Classification Scheme 2023. Collection method: clinical testing. Allele origin: germline.

Labcorp Genetics (formerly Invitae), Labcorp
Classification: Uncertain significance. Last evaluated: 2024-11-04. Review status: criteria provided, single submitter. Criteria: Invitae Variant Classification Sherloc (09022015). Collection method: clinical testing. Allele origin: germline.
Comment: This sequence change replaces aspartic acid, which is acidic and polar, with glycine, which is neutral and non-polar, at codon 639 of the ERCC6 protein (p.Asp639Gly). This variant is present in population databases (rs367546930, gnomAD 0.02%). This variant has not been reported in the literature in individuals affected with ERCC6-related conditions. ClinVar contains an entry for this variant (Variation ID: 1028080). Invitae Evidence Modeling of protein sequence and biophysical properties (such as structural, functional, and spatial information, amino acid conservation, physicochemical variation, residue mobility, and thermodynamic stability) indicates that this missense variant is not expected to disrupt ERCC6 protein function with a negative predictive value of 80%. In summary, the available evidence is currently insufficient to determine the role of this variant in disease. Therefore, it has been classified as a Variant of Uncertain Significance.

Baylor Genetics
Classification: Uncertain significance for Cerebrooculofacioskeletal syndrome 1. Last evaluated: 2019-06-26. Review status: criteria provided, single submitter. Criteria: ACMG Guidelines, 2015. Collection method: clinical testing. Allele origin: de novo. Affected: yes.
Comment: This variant was determined to be of uncertain significance according to ACMG Guidelines, 2015 [PMID:25741868].

NM_000124.4(ERCC6):c.1916A>G (p.Asp639Gly)

Gene: ERCC6 (ERCC excision repair 6, chromatin remodeling factor; minus strand). Cytogenetic location: 10q11.23.
Variant type: single nucleotide variant.
Coding change: c.1916A>G on transcript NM_000124.4 (MANE Select); coding-DNA position 1916, A replaced by G.
Protein change: p.Asp639Gly; replaces aspartic acid 639 with glycine.
Molecular consequence: missense variant.
Genome position (GRCh38, 1-based): chr10:49,483,422, T>C on the plus strand (A>G on the coding strand, the complement: ERCC6 is on the minus strand). VCF-style: chr10-49483422-T-C. GRCh37 (hg19) VCF-style: chr10-50691468-T-C.
Other names: c.1916A>G, p.Asp639Gly (NM_001346440.2); c.1916A>G (NM_000124.2); short protein forms D639G.
Identifiers: ClinVar variation 1028080 (VCV001028080.8), dbSNP rs367546930, ClinGen allele CA5495818.